The following is an entry in ClinVar:

NM_001040142.2(SCN2A):c.3956G>C (p.Arg1319Pro)

Gene: SCN2A (sodium voltage-gated channel alpha subunit 2; plus strand). Cytogenetic location: 2q24.3.
Variant type: single nucleotide variant.
Coding change: c.3956G>C on transcript NM_001040142.2 (MANE Select); coding-DNA position 3956, G replaced by C.
Protein change: p.Arg1319Pro; replaces arginine 1319 with proline.
Molecular consequence: missense variant.
Genome position (GRCh38, 1-based): chr2:165,373,331, G>C. VCF-style: chr2-165373331-G-C. GRCh37 (hg19) VCF-style: chr2-166229841-G-C.
Other names: c.3956G>C (NM_001040142.1); c.3956G>C, p.Arg1319Pro (NM_001040143.2, NM_001371246.1, NM_001371247.1 and 1 more transcripts); short protein forms R1319P.
Identifiers: ClinVar variation 2203163 (VCV002203163.5), dbSNP rs121917753, ClinGen allele CA349030030.

ClinVar aggregate classification (germline): Pathogenic/Likely pathogenic. Review status: criteria provided, multiple submitters, no conflicts (2 of 4 stars). 2 submissions from 2 submitters: Pathogenic (1); Likely pathogenic (1). Last evaluated 2023-07-17.

Conditions:
Developmental and epileptic encephalopathy, 11 (DEE11). Also called: Early infantile epileptic encephalopathy 11. Identifiers: Orphanet 1934, MedGen C3150987, MONDO:0013388, OMIM 613721.
Seizures, benign familial infantile, 3 (BFIS3). Also called: Familial neonatal seizures; CONVULSIONS, BENIGN FAMILIAL INFANTILE, 3. Identifiers: Orphanet 140927, Orphanet 306, MedGen C1843140, MONDO:0011904, OMIM 607745.

Submissions (2):

Victorian Clinical Genetics Services, Murdoch Childrens Research Institute
Classification: Pathogenic for Developmental and epileptic encephalopathy, 11. Last evaluated: 2023-07-17. Review status: criteria provided, single submitter. Criteria: ACMG Guidelines, 2015. Collection method: clinical testing. Allele origin: germline. Inheritance: Autosomal dominant inheritance. Affected: yes.
Comment: Based on the classification scheme VCGS_Germline_v1.3.4, this variant is classified as Pathogenic. Following criteria are met: 0103 - Loss of function and gain of function are known mechanisms of disease in this gene. Variants causing a gain of function result in developmental and epileptic encephalopathy 11 (MIM#613721) or benign familial infantile seizures 3 (MIM#607745), whereas variants causing loss of function result in autism spectrum disorder and/or intellectual disability, with or without childhood-onset seizures (OMIM, PMIDs: 29691040, 31904126). 0107 - This gene is associated with autosomal dominant disease. (I) 0200 - Variant is predicted to result in a missense amino acid change from arginine to proline. (I) 0251 - This variant is heterozygous. (I) 0301 - Variant is absent from gnomAD (both v2 and v3). (SP) 0309 - An alternative amino acid change at the same position has been observed in gnomAD (v2) (1 heterozygote, 0 homozygotes). (I) 0501 - Missense variant consistently predicted to be damaging by multiple in silico tools or highly conserved with a major amino acid change. (SP) 0600 - Variant is located in the annotated ion transport domain (DECIPHER). (I) 0701 - Other missense variants comparable to the one identified in this case have very strong previous evidence for pathogenicity. Alternative missense changes of this arginine residue to glutamine, leucine, and tryptophan have been reported pathogenic by clinical labs in ClinVar and in the literature in individuals with epileptic encephalopathy (PMID: 28379373). (SP) 0801 - This variant has strong previous evidence of pathogenicity in unrelated individuals. This variant has been identified de novo in individuals with intellectual disability and seizures (PMID: 27824329, 31175295). (SP) 0905 - No published segregation evidence has been identified for this variant. (I) 1007 - No published functional evidence has been identified for this variant. (SP) Legend: (SP) - Supporting pathogenic, (I) - Information, (SB) - Supporting benign

Labcorp Genetics (formerly Invitae), Labcorp
Classification: Likely pathogenic for Seizures, benign familial infantile, 3; Developmental and epileptic encephalopathy, 11. Last evaluated: 2022-03-10. Review status: criteria provided, single submitter. Criteria: Invitae Variant Classification Sherloc (09022015). Collection method: clinical testing. Allele origin: germline.
Comment: This missense change has been observed in individual(s) with SCN2A-related conditions (PMID: 27824329, 28191889, 31175295, 33004838). In at least one individual the variant was observed to be de novo. This variant is not present in population databases (gnomAD no frequency). This sequence change replaces arginine, which is basic and polar, with proline, which is neutral and non-polar, at codon 1319 of the SCN2A protein (p.Arg1319Pro). Algorithms developed to predict the effect of missense changes on protein structure and function are either unavailable or do not agree on the potential impact of this missense change (SIFT: "Deleterious"; PolyPhen-2: "Probably Damaging"; Align-GVGD: "Class C0"). In summary, the currently available evidence indicates that the variant is pathogenic, but additional data are needed to prove that conclusively. Therefore, this variant has been classified as Likely Pathogenic. This variant disrupts the p.Arg1319 amino acid residue in SCN2A. Other variant(s) that disrupt this residue have been determined to be pathogenic (PMID: 15048894, 18479388, 28379373). This suggests that this residue is clinically significant, and that variants that disrupt this residue are likely to be disease-causing.

Literature cited by the submitters: PubMed 27824329 (cited by Victorian Clinical Genetics Services, Murdoch Childrens Research Institute and Labcorp Genetics (formerly Invitae), Labcorp); PubMed 28379373 (cited by Victorian Clinical Genetics Services, Murdoch Childrens Research Institute and Labcorp Genetics (formerly Invitae), Labcorp); PubMed 29691040 (cited by Victorian Clinical Genetics Services, Murdoch Childrens Research Institute); PubMed 31175295 (cited by Victorian Clinical Genetics Services, Murdoch Childrens Research Institute and Labcorp Genetics (formerly Invitae), Labcorp); PubMed 31904126 (cited by Victorian Clinical Genetics Services, Murdoch Childrens Research Institute); PubMed 28191889 (cited by Labcorp Genetics (formerly Invitae), Labcorp); PubMed 33004838 (cited by Labcorp Genetics (formerly Invitae), Labcorp); PubMed 15048894 (cited by Labcorp Genetics (formerly Invitae), Labcorp); PubMed 18479388 (cited by Labcorp Genetics (formerly Invitae), Labcorp).